The following is an entry in ClinVar:

NM_033004.4(NLRP1):c.448+1G>A

Gene: NLRP1 (NLR family pyrin domain containing 1; minus strand). Cytogenetic location: 17p13.2.
Variant type: single nucleotide variant.
Coding change: c.448+1G>A on transcript NM_033004.4 (MANE Select); the canonical splice donor site of the intron after coding-DNA position 448, G replaced by A.
Molecular consequence: splice donor variant.
Genome position (GRCh38, 1-based): chr17:5,582,669, C>T on the plus strand (G>A on the coding strand, the complement: NLRP1 is on the minus strand). VCF-style: chr17-5582669-C-T. GRCh37 (hg19) VCF-style: chr17-5485989-C-T.
Other names: c.448+1G>A (NM_001033053.3, NM_033007.4, NM_033006.4 and 1 more transcripts).
Identifiers: ClinVar variation 1999969 (VCV001999969.4), dbSNP rs746664989, ClinGen allele CA287292237.

ClinVar aggregate classification (germline): Uncertain significance (1 of 4 stars; one submission).

Allele frequency attached by ClinVar (database versions not stated): gnomAD 0.00001; TOPMed 0.00001.
gnomAD v4.1: 1 of 1,613,902 alleles (0.000062%); highest among the groups gnomAD compares: Non-Finnish European, 0.000085%; no homozygotes.

Submission:

Labcorp Genetics (formerly Invitae), Labcorp
Classification: Uncertain significance. Last evaluated: 2022-12-08. Review status: criteria provided, single submitter. Criteria: Invitae Variant Classification Sherloc (09022015). Collection method: clinical testing. Allele origin: germline.
Comment: In summary, the available evidence is currently insufficient to determine the role of this variant in disease. Therefore, it has been classified as a Variant of Uncertain Significance. Algorithms developed to predict the effect of sequence changes on RNA splicing suggest that this variant may disrupt the consensus splice site. This variant has not been reported in the literature in individuals affected with NLRP1-related conditions. This variant is not present in population databases (gnomAD no frequency). This sequence change affects a donor splice site in intron 2 of the NLRP1 gene. It is expected to disrupt RNA splicing. Variants that disrupt the donor or acceptor splice site typically lead to a loss of protein function (PMID: 16199547), however the current clinical and genetic evidence is not sufficient to establish whether loss-of-function variants in NLRP1 cause disease.

Literature cited by the submitters: PubMed 16199547.